The following is an entry in ClinVar:

ClinVar aggregate classification (germline): Uncertain significance (1 of 4 stars; one submission).

Conditions:
Charcot-Marie-Tooth disease axonal type 2O. Also called: CHARCOT-MARIE-TOOTH NEUROPATHY, AXONAL, TYPE 2O; CHARCOT-MARIE-TOOTH DISEASE, AXONAL, AUTOSOMAL DOMINANT, TYPE 2O; Charcot-Marie-Tooth disease, axonal, type 20; Charcot-Marie-Tooth Neuropathy Type 2O. Identifiers: Orphanet 284232, MedGen C3280220, MONDO:0013644, OMIM 614228.

Allele frequency attached by ClinVar (database versions not stated): TOPMed 0.00001.
gnomAD v4.1: 2 of 1,614,220 alleles (0.00012%); no homozygotes.

Submission:

Labcorp Genetics (formerly Invitae), Labcorp
Classification: Uncertain significance for Charcot-Marie-Tooth disease axonal type 2O. Last evaluated: 2025-11-11. Review status: criteria provided, single submitter. Criteria: Invitae Variant Classification Sherloc (09022015). Collection method: clinical testing. Allele origin: germline.
Comment: This sequence change replaces valine, which is neutral and non-polar, with isoleucine, which is neutral and non-polar, at codon 925 of the DYNC1H1 protein (p.Val925Ile). This variant is not present in population databases (gnomAD no frequency). This variant has not been reported in the literature in individuals affected with DYNC1H1-related conditions. ClinVar contains an entry for this variant (Variation ID: 1427064). Invitae Evidence Modeling of protein sequence and biophysical properties (such as structural, functional, and spatial information, amino acid conservation, physicochemical variation, residue mobility, and thermodynamic stability) indicates that this missense variant is not expected to disrupt DYNC1H1 protein function with a negative predictive value of 95%. In summary, the available evidence is currently insufficient to determine the role of this variant in disease. Therefore, it has been classified as a Variant of Uncertain Significance.

NM_001376.5(DYNC1H1):c.2773G>A (p.Val925Ile)

Gene: DYNC1H1 (dynein cytoplasmic 1 heavy chain 1; plus strand). Cytogenetic location: 14q32.31.
Variant type: single nucleotide variant.
Coding change: c.2773G>A on transcript NM_001376.5 (MANE Select); coding-DNA position 2773, G replaced by A.
Protein change: p.Val925Ile; replaces valine 925 with isoleucine.
Molecular consequence: missense variant.
Genome position (GRCh38, 1-based): chr14:101,988,757, G>A. VCF-style: chr14-101988757-G-A. GRCh37 (hg19) VCF-style: chr14-102455094-G-A.
Other names: short protein forms V925I.
Identifiers: ClinVar variation 1427064 (VCV001427064.8), dbSNP rs753727576, ClinGen allele CA266982968.